The following is an entry in ClinVar:

NM_001001548.3(CD36):c.787_808del (p.Val263fs)

Gene: CD36 (CD36 molecule (CD36 blood group); plus strand). Cytogenetic location: 7q21.11.
Variant type: Deletion.
Coding change: c.787_808del on transcript NM_001001548.3 (MANE Select); coding-DNA positions 787 to 808, 22 bases deleted (GTATTGCAGTTCTTTTCTTCTG).
Protein change: p.Val263fs; shifts the reading frame from valine 263.
Molecular consequence: frameshift variant. On other transcripts: non-coding transcript variant (1), intron variant (1).
Genome position (GRCh38, 1-based): chr7:80,669,991-80,670,012, GTATTGCAGTTCTTTTCTTCTG deleted; deleting any 22 consecutive bases within chr7:80,669,990-80,670,012 gives the same sequence; the c. name uses the placement nearest the transcript's 3' end. VCF-style (leftmost placement, unchanged base first): chr7-80669989-AGGTATTGCAGTTCTTTTCTTCT-A. GRCh37 (hg19) VCF-style: chr7-80299305-AGGTATTGCAGTTCTTTTCTTCT-A.
Other names: c.787_808del (NM_001001548.2, NM_001001547.2); c.787_808del22 (NM_001001547.2, NM_001001547.3); c.787_808del, p.Val263fs (NM_000072.3, NM_001001547.3, NM_001127443.2 and 5 more transcripts); c.607_628del, p.Val203fs (NM_001289909.1); c.559_580del, p.Val187fs (NM_001289911.2); c.685_706del, p.Val229fs (NM_001371079.1); c.322_343del, p.Val108fs (NM_001371080.1, NM_001371081.1); c.702-986_702-965del (NM_001289908.1); short protein forms V187fs, V263fs, V108fs, V203fs, V229fs.
Identifiers: ClinVar variation 873470 (VCV000873470.12), dbSNP rs754365623, ClinGen allele CA4315410.

ClinVar aggregate classification (germline): Conflicting classifications of pathogenicity. Review status: criteria provided, conflicting classifications (1 of 4 stars). 7 submissions from 7 submitters: Pathogenic (3); Likely pathogenic (2); Uncertain significance (1). 1 of the submissions does not count toward it. Last evaluated 2025-12-01.

Conditions:
CD36-related disorder. Also called: CD36-related condition; CD36-related disorders.
Platelet-type bleeding disorder 10. Also called: CD36 DEFICIENCY. Identifiers: MedGen C1842090, MONDO:0012031, OMIM 608404.

Submissions (7):

CeGaT Center for Human Genetics Tuebingen
Classification: Likely pathogenic. Last evaluated: 2025-12-01. Review status: criteria provided, single submitter. Criteria: CeGaT Center For Human Genetics Tuebingen Variant Classification Criteria Version 2. Collection method: clinical testing. Allele origin: germline. Affected: yes. Observed: 1 variant allele.
Comment: CD36: PVS1, PM2:Supporting

Women's Health and Genetics/Laboratory Corporation of America, LabCorp
Classification: Pathogenic for CD36-Related Disorders. Last evaluated: 2025-06-16. Review status: criteria provided, single submitter. Criteria: LabCorp Variant Classification Summary - May 2015. Collection method: clinical testing. Allele origin: germline.
Comment: Variant summary: CD36 c.787_808del22 (p.Val263IlefsX16) results in a premature termination codon, predicted to cause a truncation of the encoded protein or absence of the protein due to nonsense mediated decay, which are commonly known mechanisms for disease. The variant allele was found at a frequency of 0.00013 in 251040 control chromosomes. This frequency is not significantly higher than estimated for a pathogenic variant in CD36 causing CD36-Related Disorders, allowing no conclusion about variant significance. To our knowledge, no occurrence of c.787_808del22 in individuals affected with CD36-Related Disorders and no experimental evidence demonstrating its impact on protein function have been reported. ClinVar contains an entry for this variant (Variation ID: 873470). Based on the evidence outlined above, the variant was classified as pathogenic.

3billion
Classification: Pathogenic for Platelet-type bleeding disorder 10. Last evaluated: 2022-09-01. Review status: criteria provided, single submitter. Criteria: ACMG Guidelines, 2015. Collection method: clinical testing. Allele origin: germline. Affected: yes. Observed: 1 heterozygote.
Comment: The variant is observed at an extremely low frequency in the gnomAD v2.1.1 dataset (total allele frequency: 0.012%). Frameshift variant is predicted to result in a loss or disruption of normal protein function through nonsense-mediated decay (NMD) or protein truncation. Multiple pathogenic variants are reported downstream of the variant. The variant has been reported to be associated with CD36-related disorder (ClinVar ID: VCV000873470). Therefore, this variant is classified as Pathogenic according to the recommendation of ACMG/AMP guideline.

Clinical Genetics Laboratory, Skane University Hospital Lund
Classification: Pathogenic. Last evaluated: 2022-05-27. Review status: criteria provided, single submitter. Criteria: ACMG Guidelines, 2015. Collection method: clinical testing. Allele origin: germline. Affected: yes.

GeneDx
Classification: Uncertain significance. Last evaluated: 2021-06-03. Review status: criteria provided, single submitter. Criteria: GeneDx Variant Classification Process June 2021. Collection method: clinical testing. Allele origin: germline. Affected: yes.
Comment: Frameshift variant predicted to result in protein truncation or nonsense mediated decay in a gene for which loss-of-function is a known mechanism of disease; Has not been previously published as pathogenic or benign to our knowledge; This variant is associated with the following publications: (PMID: 27535533)

UNC Molecular Genetics  Laboratory, University of North Carolina at Chapel Hill
Classification: Likely pathogenic for Platelet glycoprotein IV deficiency. Review status: criteria provided, single submitter. Criteria: ACMG Guidelines, 2015. Collection method: research. Allele origin: germline. Affected: no. Observed: 1 variant allele. Study: NSIGHT-NC NEXUS.
Comment: The CD36 c.787_808del (p.Q262fs) variant is a frameshift deletion of 22 nucleotides, which is predicted to result in a nonfunctional protein.

carrier finding

PreventionGenetics, part of Exact Sciences
Classification: Likely pathogenic for CD36-related condition. Last evaluated: 2024-07-11. Review status: no assertion criteria provided. Collection method: clinical testing. Allele origin: germline. Not counted in ClinVar's aggregate classification.
Comment: The CD36 c.787_808del22 variant is predicted to result in a frameshift and premature protein termination (p.Val263Ilefs*16). To our knowledge, this variant has not been reported in the literature. This variant is reported in 0.019% of alleles in individuals of European (Non-Finnish) descent in gnomAD. Frameshift variants in CD36 are expected to be pathogenic. This variant is interpreted as likely pathogenic.